The following is an entry in ClinVar:

NM_001135649.3(FOXI3):c.719G>A (p.Arg240His)

Gene: FOXI3 (forkhead box I3; minus strand). Cytogenetic location: 2p11.2.
Variant type: single nucleotide variant.
Coding change: c.719G>A on transcript NM_001135649.3 (MANE Select); coding-DNA position 719, G replaced by A.
Protein change: p.Arg240His; replaces arginine 240 with histidine.
Molecular consequence: missense variant.
Genome position (GRCh38, 1-based): chr2:88,448,751, C>T on the plus strand (G>A on the coding strand, the complement: FOXI3 is on the minus strand). VCF-style: chr2-88448751-C-T. GRCh37 (hg19) VCF-style: chr2-88748270-C-T.
Other names: short protein forms R240H.
Identifiers: ClinVar variation 1353346 (VCV001353346.8), dbSNP rs1370585001, ClinGen allele CA347765417.

ClinVar aggregate classification (germline): Uncertain significance. Review status: criteria provided, single submitter (1 of 4 stars). 2 submissions from 2 submitters: Uncertain significance (1). 1 of the submissions does not count toward it. Last evaluated 2024-09-10.

Conditions:
Craniofacial microsomia 1 (CFM1). Also called: Hemifacial microsomia. Identifiers: Orphanet 374, MedGen C3495417, MONDO:0958175, OMIM 164210.

Allele frequency attached by ClinVar (database versions not stated): gnomAD exomes 0.00001 and 0.00002; TOPMed 0.00003.
gnomAD v4.1: 27 of 1,551,780 alleles (0.0017%); highest among the groups gnomAD compares: African/African-American, 0.015%; no homozygotes.

Submissions (2):

Labcorp Genetics (formerly Invitae), Labcorp
Classification: Uncertain significance. Last evaluated: 2024-09-10. Review status: criteria provided, single submitter. Criteria: Invitae Variant Classification Sherloc (09022015). Collection method: clinical testing. Allele origin: germline.
Comment: This sequence change replaces arginine, which is basic and polar, with histidine, which is basic and polar, at codon 240 of the FOXI3 protein (p.Arg240His). This variant is present in population databases (no rsID available, gnomAD 0.02%). This missense change has been observed in individual(s) with clinical features of craniofacial microsomia (PMID: 37041148). ClinVar contains an entry for this variant (Variation ID: 1353346). Algorithms developed to predict the effect of variants on gene product structure and function are not available or were not evaluated for this variant. Experimental studies have shown that this missense change affects FOXI3 function (PMID: 37041148). In summary, the available evidence is currently insufficient to determine the role of this variant in disease. Therefore, it has been classified as a Variant of Uncertain Significance.

ZhangYB Lab, Beihang University
Classification: Likely pathogenic for Craniofacial microsomia 1. Last evaluated: 2022-03-06. Review status: no assertion criteria provided. Collection method: research. Allele origin: germline, not applicable. Inheritance: Autosomal dominant inheritance. Affected: yes. Observed: 1 heterozygote. Not counted in ClinVar's aggregate classification.

Literature cited by the submitters: PubMed 37041148 (cited by Labcorp Genetics (formerly Invitae), Labcorp).